The following is an entry in ClinVar:

NM_004621.6(TRPC6):c.1688C>T (p.Thr563Ile)

Gene: TRPC6 (transient receptor potential cation channel subfamily C member 6; minus strand). Cytogenetic location: 11q22.1.
Variant type: single nucleotide variant.
Coding change: c.1688C>T on transcript NM_004621.6 (MANE Select); coding-DNA position 1688, C replaced by T.
Protein change: p.Thr563Ile; replaces threonine 563 with isoleucine.
Molecular consequence: missense variant.
Genome position (GRCh38, 1-based): chr11:101,476,357, G>A on the plus strand (C>T on the coding strand, the complement: TRPC6 is on the minus strand). VCF-style: chr11-101476357-G-A. GRCh37 (hg19) VCF-style: chr11-101347088-G-A.
Other names: short protein forms T563I.
Identifiers: ClinVar variation 1716061 (VCV001716061.5), dbSNP rs1859417368, ClinGen allele CA382440697.

ClinVar aggregate classification (germline): Uncertain significance (1 of 4 stars; one submission).

Submission:

Labcorp Genetics (formerly Invitae), Labcorp
Classification: Uncertain significance. Last evaluated: 2025-10-02. Review status: criteria provided, single submitter. Criteria: Invitae Variant Classification Sherloc (09022015). Collection method: clinical testing. Allele origin: germline.
Comment: This sequence change replaces threonine, which is neutral and polar, with isoleucine, which is neutral and non-polar, at codon 563 of the TRPC6 protein (p.Thr563Ile). This variant is not present in population databases (gnomAD no frequency). This variant has not been reported in the literature in individuals affected with TRPC6-related conditions. ClinVar contains an entry for this variant (Variation ID: 1716061). Invitae Evidence Modeling of protein sequence and biophysical properties (such as structural, functional, and spatial information, amino acid conservation, physicochemical variation, residue mobility, and thermodynamic stability) indicates that this missense variant is not expected to disrupt TRPC6 protein function with a negative predictive value of 95%. In summary, the available evidence is currently insufficient to determine the role of this variant in disease. Therefore, it has been classified as a Variant of Uncertain Significance.